The following is an entry in ClinVar:

ClinVar aggregate classification (germline): Benign (1 of 4 stars; one submission).

Allele frequency attached by ClinVar (database versions not stated): ExAC 0.01988; gnomAD exomes 0.14001; gnomAD 0.20485 and 0.21303.

Submission:

GeneDx
Classification: Benign. Last evaluated: 2018-06-19. Review status: criteria provided, single submitter. Criteria: GeneDx Variant Classification (06012015). Collection method: clinical testing. Allele origin: germline. Affected: yes.
Comment: This variant is considered likely benign or benign based on one or more of the following criteria: it is a conservative change, it occurs at a poorly conserved position in the protein, it is predicted to be benign by multiple in silico algorithms, and/or has population frequency not consistent with disease.

NM_000231.3(SGCG):c.579-22del

Gene: SGCG (sarcoglycan gamma; plus strand). Cytogenetic location: 13q12.12.
Variant type: Deletion.
Coding change: c.579-22del on transcript NM_000231.3 (MANE Select); 22 bases into the intron before coding-DNA position 579, one base deleted (G; older notation c.579-22delG).
Molecular consequence: intron variant.
Genome position (GRCh38, 1-based): chr13:23,320,615, G deleted. VCF-style (leftmost placement, unchanged base first): chr13-23320614-TG-T. GRCh37 (hg19) VCF-style: chr13-23894753-TG-T.
Other names: c.633-22del (NM_001378244.1); c.579-22del (NM_001378245.1, NM_001378246.1); c.579-22delG (NM_000231.2).
Identifiers: ClinVar variation 670063 (VCV000670063.1), dbSNP rs138499218, ClinGen allele CA6909781.